The following continues an entry in ClinVar:

NM_213599.3(ANO5):c.172C>T (p.Arg58Trp)

Gene: ANO5. ClinVar aggregate classification (germline): Pathogenic. Pathogenic (1).

Submissions 8 to 25 of 25:

GeneDx
Classification: Pathogenic. Last evaluated: 2025-05-02. Review status: criteria provided, single submitter. Criteria: GeneDx Variant Classification Process June 2021. Collection method: clinical testing. Allele origin: germline. Affected: yes. Not counted in ClinVar's aggregate classification.
Comment: In silico analysis supports that this missense variant has a deleterious effect on protein structure/function; This variant is associated with the following publications: (PMID: 23041008, 25891276, 22336395, 37644014, 37510298, 25864073, 27854218, 23670307, 22499103, 34426522, 32367299, 35239206, 32528171, 32925086, 33496727, 35032046, 35563815, 38544359, 38374194)

Blueprint Genetics
Classification: Pathogenic for ANO5-related disorders. Last evaluated: 2024-11-18. Review status: criteria provided, single submitter. Criteria: ACMG Guidelines, 2015. Collection method: clinical testing. Allele origin: germline. Affected: yes. Observed: 5 variant alleles. Not counted in ClinVar's aggregate classification.

Genomic Medicine Center of Excellence, King Faisal Specialist Hospital and Research Centre
Classification: Likely pathogenic for Autosomal recessive limb-girdle muscular dystrophy type 2L. Last evaluated: 2024-03-17. Review status: criteria provided, single submitter. Criteria: ACMG Guidelines, 2015. Collection method: research. Allele origin: germline. Not counted in ClinVar's aggregate classification.

Fulgent Genetics
Classification: Pathogenic for Gnathodiaphyseal dysplasia; Autosomal recessive limb-girdle muscular dystrophy type 2L; Miyoshi muscular dystrophy 3. Last evaluated: 2024-02-10. Review status: criteria provided, single submitter. Criteria: ACMG Guidelines, 2015. Collection method: clinical testing. Allele origin: germline. Not counted in ClinVar's aggregate classification.

SIB Swiss Institute of Bioinformatics
Classification: Pathogenic for Autosomal recessive limb-girdle muscular dystrophy type 2L. Last evaluated: 2023-12-06. Review status: criteria provided, single submitter. Criteria: ACMG Guidelines, 2015. Collection method: curation. Allele origin: unknown. Inheritance: Autosomal recessive inheritance. Not counted in ClinVar's aggregate classification.
Comment: This variant is interpreted as Pathogenic, for Muscular dystrophy, limb-girdle, type 2L, autosomal recessive The following ACMG Tag(s) were applied: For recessive disorders, detected in trans with a pathogenic variant (PM3 upgraded to very strong; PMID: 22499103, 23041008, 23670307, 25864073, 25891276, 27671536, 32528171, 32925086, 36913258). Multiple lines of computational evidence support a deleterious effect on the gene or gene product (PP3;). Well-established functional studies show a deleterious effect (PS3 downgraded to supporting; PMID: 33496727).

CeGaT Center for Human Genetics Tuebingen
Classification: Pathogenic. Last evaluated: 2023-04-01. Review status: criteria provided, single submitter. Criteria: CeGaT Center For Human Genetics Tuebingen Variant Classification Criteria Version 2. Collection method: clinical testing. Allele origin: germline. Affected: yes. Observed: 2 variant alleles. Not counted in ClinVar's aggregate classification.
Comment: ANO5: PM3:Very Strong, PM2, PM5

Women's Health and Genetics/Laboratory Corporation of America, LabCorp
Classification: Pathogenic for Autosomal recessive limb-girdle muscular dystrophy. Last evaluated: 2022-08-09. Review status: criteria provided, single submitter. Criteria: LabCorp Variant Classification Summary - May 2015. Collection method: clinical testing. Allele origin: germline. Not counted in ClinVar's aggregate classification.
Comment: Variant summary: ANO5 c.172C>T (p.Arg58Trp) results in a non-conservative amino acid change in the encoded protein sequence. Five of five in-silico tools predict a damaging effect of the variant on protein function. The variant allele was found at a frequency of 0.0001 in 251082 control chromosomes (gnomAD). This frequency is not significantly higher than expected for a pathogenic variant in ANO5 causing Limb-Girdle Muscular Dystrophy, Autosomal Recessive (0.0001 vs 0.0047), allowing no conclusion about variant significance. c.172C>T has been reported in the literature as a biallelic genotype in multiple individuals affected with Limb-Girdle Muscular Dystrophy and in individuals with elevated CK levels (e.g. Bouquet_2012, Schessl_2012, Witting_2013, Punetha_2016, Monies_2016). These data indicate that the variant is very likely to be associated with disease. To our knowledge, no experimental evidence demonstrating an impact on protein function has been reported. Thirteen ClinVar submitters have assessed the variant since 2014: one classified the variant as of uncertain significance, five as likely pathogenic, and seven as pathogenic. Based on the evidence outlined above, the variant was classified as pathogenic.

MGZ Medical Genetics Center
Classification: Likely pathogenic for Autosomal recessive limb-girdle muscular dystrophy type 2L. Last evaluated: 2022-03-17. Review status: criteria provided, single submitter. Criteria: ACMG Guidelines, 2015. Collection method: clinical testing. Allele origin: germline. Affected: yes. Observed: 1 variant allele. Not counted in ClinVar's aggregate classification.
Comment: ACMG criteria applied: PS4_MOD, PM3, PM2_SUP, PP1, PP3

Breakthrough Genomics
Classification: Pathogenic for Autosomal recessive limb-girdle muscular dystrophy type 2L. Last evaluated: 2022-01-28. Review status: criteria provided, single submitter. Criteria: ACMG Guidelines, 2015. Collection method: clinical testing. Allele origin: germline. Affected: yes. Not counted in ClinVar's aggregate classification.
Comment: This variant was previously reported in homozygous state or compound heterozygous state in individuals affected with persistent asymptomatic hyperCK-emia [PMID: 23670307, 22499103] and limb girdle muscular dystrophy [PMID: 25891276, 27854218].

Kariminejad - Najmabadi Pathology & Genetics Center
Classification: Likely pathogenic for Abnormality of the musculature. Last evaluated: 2021-07-10. Review status: criteria provided, single submitter. Criteria: ACMG Guidelines, 2015. Collection method: clinical testing. Allele origin: germline. Affected: yes. Not counted in ClinVar's aggregate classification.

Baylor Genetics
Classification: Pathogenic for Miyoshi muscular dystrophy 3. Last evaluated: 2020-06-03. Review status: criteria provided, single submitter. Criteria: ACMG Guidelines, 2015. Collection method: clinical testing. Allele origin: unknown. Affected: yes. Not counted in ClinVar's aggregate classification.
Comment: This variant was determined to be pathogenic according to ACMG Guidelines, 2015 [PMID:25741868].

Mayo Clinic Laboratories, Mayo Clinic
Classification: Likely pathogenic. Last evaluated: 2020-04-15. Review status: criteria provided, single submitter. Criteria: ACMG Guidelines, 2015. Collection method: clinical testing. Allele origin: germline. Observed: 1 variant allele. Not counted in ClinVar's aggregate classification.
Comment: PS4_moderate, PM2, PM3

Institute of Human Genetics Munich, TUM University Hospital
Classification: Pathogenic for Miyoshi muscular dystrophy 3. Last evaluated: 2020-02-26. Review status: criteria provided, single submitter. Criteria: Classification criteria August 2017. Collection method: clinical testing. Allele origin: inherited. Inheritance: Autosomal recessive inheritance. Affected: yes. Observed: 1 homozygote. Not counted in ClinVar's aggregate classification.

Eurofins Ntd Llc (ga)
Classification: Pathogenic. Last evaluated: 2018-09-12. Review status: criteria provided, single submitter. Criteria: EGL ClinVar v180209 classification definitions. Collection method: clinical testing. Allele origin: germline. Observed: 12 variant alleles, 8 heterozygotes, 4 homozygotes. Not counted in ClinVar's aggregate classification.

Athena Diagnostics
Classification: Likely pathogenic. Last evaluated: 2017-09-25. Review status: criteria provided, single submitter. Criteria: Athena Diagnostics Criteria. Collection method: clinical testing. Allele origin: germline. Not counted in ClinVar's aggregate classification.

Center for Genetic Medicine Research, Children's National Medical Center
Classification: Likely pathogenic for Autosomal recessive limb-girdle muscular dystrophy type 2L. Last evaluated: 2015-12-01. Review status: criteria provided, single submitter. Criteria: Punetha et al. (J Neuromuscul Dis. 2016). Collection method: research. Allele origin: inherited. Affected: yes. Not counted in ClinVar's aggregate classification.

Genetic Services Laboratory, University of Chicago
Classification: Likely pathogenic for Muscular dystrophy, limb-girdle, type 2L. Last evaluated: 2015-01-22. Review status: criteria provided, single submitter. Criteria: ACMG Guidelines, 2015. Collection method: clinical testing. Allele origin: germline. Affected: yes. Not counted in ClinVar's aggregate classification.

Clinical Genetics Service, Universitary Hospital 12 de Octubre
Classification: Likely pathogenic for Autosomal recessive limb-girdle muscular dystrophy type 2L. Review status: criteria provided, single submitter. Criteria: ACMG Guidelines, 2015. Collection method: clinical testing. Allele origin: paternal. Affected: yes. Not counted in ClinVar's aggregate classification.

Literature cited by the submitters: PubMed 39232665 (cited by Dasa); PubMed 36913258 (cited by Dasa and SIB Swiss Institute of Bioinformatics); PubMed 22499103 (cited by 8 submitters); PubMed 27854218 (cited by 6 submitters); PubMed 25891276 (cited by 5 submitters); PubMed 23670307 (cited by 7 submitters); PubMed 23055322 (cited by Dasa and Variantyx, Inc.); PubMed 23041008 (cited by 6 submitters); PubMed 32925086 (cited by Variantyx, Inc. and SIB Swiss Institute of Bioinformatics); PubMed 30564623 (cited by Variantyx, Inc.); PubMed 31353849 (cited by Variantyx, Inc.); PubMed 33496727 (cited by Variantyx, Inc. and SIB Swiss Institute of Bioinformatics); PubMed 30919934 (cited by 3billion); PubMed 25864073 (cited by SIB Swiss Institute of Bioinformatics and Athena Diagnostics); PubMed 27671536 (cited by SIB Swiss Institute of Bioinformatics and Women's Health and Genetics/Laboratory Corporation of America, LabCorp); PubMed 32528171 (cited by SIB Swiss Institute of Bioinformatics); PubMed 22336395 (cited by 3 submitters).